The following is an entry in ClinVar:

ClinVar aggregate classification (germline): Uncertain significance. Review status: criteria provided, multiple submitters, no conflicts (2 of 4 stars). 2 submissions from 2 submitters: Uncertain significance (2). Last evaluated 2023-11-01.

Allele frequency attached by ClinVar (database versions not stated): gnomAD 0.00001.
gnomAD v4.1: 4 of 1,584,618 alleles (0.00025%); highest among the groups gnomAD compares: Admixed American, 0.0017%; no homozygotes.

Submissions (2):

GeneDx
Classification: Uncertain significance. Last evaluated: 2023-11-01. Review status: criteria provided, single submitter. Criteria: GeneDx Variant Classification Process June 2021. Collection method: clinical testing. Allele origin: germline. Affected: yes.
Comment: Not observed at significant frequency in large population cohorts (gnomAD); In silico analysis supports that this missense variant has a deleterious effect on protein structure/function; Has not been previously published as pathogenic or benign to our knowledge

Revvity Omics, Revvity
Classification: Uncertain significance. Last evaluated: 2022-06-15. Review status: criteria provided, single submitter. Criteria: ACMG Guidelines, 2015. Collection method: clinical testing. Allele origin: germline.

NM_001374353.1(GLI2):c.355C>G (p.His119Asp)

Gene: GLI2 (GLI family zinc finger 2; plus strand). Cytogenetic location: 2q14.2.
Variant type: single nucleotide variant.
Coding change: c.355C>G on transcript NM_001374353.1 (MANE Select); coding-DNA position 355, C replaced by G.
Protein change: p.His119Asp; replaces histidine 119 with aspartic acid.
Molecular consequence: missense variant. On other transcripts: 5 prime UTR variant (1).
Genome position (GRCh38, 1-based): chr2:120,951,343, C>G. VCF-style: chr2-120951343-C-G. GRCh37 (hg19) VCF-style: chr2-121708919-C-G.
Other names: c.355C>G (NM_005270.4); c.355C>G, p.His119Asp (NM_001371271.1, NM_005270.5); c.-21C>G (NM_001374354.1); short protein forms H119D.
Identifiers: ClinVar variation 2432148 (VCV002432148.4), dbSNP rs780453822, ClinGen allele CA1851509.